The following is an entry in ClinVar:

ClinVar aggregate classification (germline): Pathogenic. Review status: criteria provided, multiple submitters, no conflicts (2 of 4 stars). 4 submissions from 4 submitters: Pathogenic (4). Last evaluated 2025-11-08.

Conditions:
Cholestanol storage disease (CTX). Also called: CTX: Cerebrotendinous xanthomatosis; CEREBRAL CHOLESTERINOSIS; Cerebrotendinous Xanthomatosis. Identifiers: Orphanet 909, MedGen C0238052, MONDO:0008948, OMIM 213700.

Allele frequency attached by ClinVar (database versions not stated): gnomAD 0.00001.
gnomAD v4.1: 2 of 1,614,014 alleles (0.00012%); highest among the groups gnomAD compares: Admixed American, 0.0017%; no homozygotes.

Submissions (4):

Labcorp Genetics (formerly Invitae), Labcorp
Classification: Pathogenic for Cholestanol storage disease. Last evaluated: 2025-11-08. Review status: criteria provided, single submitter. Criteria: Invitae Variant Classification Sherloc (09022015). Collection method: clinical testing. Allele origin: germline.
Comment: This sequence change affects an acceptor splice site in intron 6 of the CYP27A1 gene. RNA analysis indicates that disruption of this splice site induces altered splicing and may result in an absent or altered protein product. This variant is not present in population databases (gnomAD no frequency). Disruption of this splice site has been observed in individual(s) with cerebrotendinous xanthomatosis (PMID: 14741198, 25983621). ClinVar contains an entry for this variant (Variation ID: 500370). Studies have shown that disruption of this splice site results in skipping of exon 7, and produces a non-functional protein and/or introduces a premature termination codon (PMID: 25983621). For these reasons, this variant has been classified as Pathogenic.

GeneDx
Classification: Pathogenic. Last evaluated: 2023-03-21. Review status: criteria provided, single submitter. Criteria: GeneDx Variant Classification Process June 2021. Collection method: clinical testing. Allele origin: germline. Affected: yes.
Comment: Canonical splice site variant predicted to result in a null allele in a gene for which loss of function is a known mechanism of disease; Not observed at significant frequency in large population cohorts (gnomAD); This variant is associated with the following publications: (PMID: 25983621)

Baylor Genetics
Classification: Pathogenic for Cholestanol storage disease. Last evaluated: 2022-12-28. Review status: criteria provided, single submitter. Criteria: ACMG Guidelines, 2015. Collection method: clinical testing. Allele origin: unknown.

Eurofins Ntd Llc (ga)
Classification: Pathogenic. Last evaluated: 2017-03-23. Review status: criteria provided, single submitter. Criteria: EGL Classification Definitions 2015. Collection method: clinical testing. Allele origin: germline. Observed: 1 variant allele, 1 heterozygote.

Literature cited by the submitters: PubMed 14741198 (cited by Labcorp Genetics (formerly Invitae), Labcorp); PubMed 25983621 (cited by Labcorp Genetics (formerly Invitae), Labcorp).

NM_000784.4(CYP27A1):c.1185-1G>A

Gene: CYP27A1 (cytochrome P450 family 27 subfamily A member 1; plus strand). Cytogenetic location: 2q35.
Variant type: single nucleotide variant.
Coding change: c.1185-1G>A on transcript NM_000784.4 (MANE Select); the canonical splice acceptor site of the intron before coding-DNA position 1185, G replaced by A.
Molecular consequence: splice acceptor variant.
Genome position (GRCh38, 1-based): chr2:218,814,379, G>A. VCF-style: chr2-218814379-G-A. GRCh37 (hg19) VCF-style: chr2-219679102-G-A.
Identifiers: ClinVar variation 500370 (VCV000500370.14), dbSNP rs587778779, ClinGen allele CA350592934.